The following is an entry in ClinVar:

NM_001377540.1(SLMAP):c.722T>C (p.Ile241Thr)

Gene: SLMAP (sarcolemma associated protein; plus strand). Cytogenetic location: 3p14.3.
Variant type: single nucleotide variant.
Coding change: c.722T>C on transcript NM_001377540.1 (MANE Select); coding-DNA position 722, T replaced by C.
Protein change: p.Ile241Thr; replaces isoleucine 241 with threonine.
Molecular consequence: missense variant. On other transcripts: non-coding transcript variant (1).
Genome position (GRCh38, 1-based): chr3:57,860,733, T>C. VCF-style: chr3-57860733-T-C. GRCh37 (hg19) VCF-style: chr3-57846460-T-C.
Other names: c.722T>C, p.Ile241Thr (NM_001304420.3, NM_001304421.2, NM_001377538.1 and 17 more transcripts); short protein forms I241T.
Identifiers: ClinVar variation 578616 (VCV000578616.12), dbSNP rs772627783, ClinGen allele CA2466912.

ClinVar aggregate classification (germline): Uncertain significance. Review status: criteria provided, multiple submitters, no conflicts (2 of 4 stars). 2 submissions from 2 submitters: Uncertain significance (2). Last evaluated 2025-10-05.

Conditions:
Brugada syndrome. Also called: Sudden unexpected nocturnal death syndrome; Sudden unexplained nocturnal death syndrome; Sudden Unexplained Death Syndrome; Sudden Unexplained Nocturnal Death Syndrome (SUNDS). Identifiers: Orphanet 130, MedGen C1142166, MONDO:0015263.

Allele frequency attached by ClinVar (database versions not stated): ExAC 0.00001; gnomAD exomes 0.00002; gnomAD 0.00003 and 0.00004; TOPMed 0.00006.
gnomAD v4.1: 18 of 1,589,398 alleles (0.0011%); highest among the groups gnomAD compares: Middle Eastern, 0.017%; no homozygotes.

Submissions (2):

Ambry Genetics
Classification: Uncertain significance. Last evaluated: 2025-10-05. Review status: criteria provided, single submitter. Criteria: Ambry Variant Classification Scheme 2023. Collection method: clinical testing. Allele origin: germline.
Comment: The p.I241T variant (also known as c.722T>C), located in coding exon 8 of the SLMAP gene, results from a T to C substitution at nucleotide position 722. The isoleucine at codon 241 is replaced by threonine, an amino acid with similar properties. This amino acid position is conserved. In addition, this alteration is predicted to be tolerated by in silico analysis. Since supporting evidence is limited at this time, the clinical significance of this alteration remains unclear.

Labcorp Genetics (formerly Invitae), Labcorp
Classification: Uncertain significance for Brugada syndrome. Last evaluated: 2024-01-07. Review status: criteria provided, single submitter. Criteria: Invitae Variant Classification Sherloc (09022015). Collection method: clinical testing. Allele origin: germline.
Comment: This sequence change replaces isoleucine, which is neutral and non-polar, with threonine, which is neutral and polar, at codon 241 of the SLMAP protein (p.Ile241Thr). This variant is present in population databases (rs772627783, gnomAD 0.02%). This variant has not been reported in the literature in individuals affected with SLMAP-related conditions. ClinVar contains an entry for this variant (Variation ID: 578616). An algorithm developed to predict the effect of missense changes on protein structure and function (PolyPhen-2) suggests that this variant is likely to be tolerated. In summary, the available evidence is currently insufficient to determine the role of this variant in disease. Therefore, it has been classified as a Variant of Uncertain Significance.